The following is an entry in ClinVar:

NM_006231.4(POLE):c.5924_5934del (p.Asp1974_Leu1975insTer)

Gene: POLE (DNA polymerase epsilon, catalytic subunit; minus strand). Cytogenetic location: 12q24.33.
Variant type: Deletion.
Coding change: c.5924_5934del on transcript NM_006231.4 (MANE Select); coding-DNA positions 5924 to 5934, 11 bases deleted (TACTGGAAAAC).
Protein change: p.Asp1974_Leu1975insTer.
Molecular consequence: nonsense.
Genome position (GRCh38, 1-based): chr12:132,634,256-132,634,266, GTTTTCCAGTA deleted on the plus strand (TACTGGAAAAC on the coding strand, the reverse complement: POLE is on the minus strand). VCF-style (leftmost placement, unchanged base first): chr12-132634255-TGTTTTCCAGTA-T. GRCh37 (hg19) VCF-style: chr12-133210841-TGTTTTCCAGTA-T.
Identifiers: ClinVar variation 4841509 (VCV004841509.1).

ClinVar aggregate classification (germline): Uncertain significance (1 of 4 stars; one submission).

Conditions:
Hereditary cancer-predisposing syndrome. Also called: Neoplastic Syndromes, Hereditary; Tumor predisposition; Hereditary Cancer Syndrome; Hereditary neoplastic syndrome. Identifiers: Orphanet 140162, MedGen C0027672, MeSH D009386, MONDO:0015356.

Submission:

Ambry Genetics
Classification: Uncertain significance for Hereditary cancer-predisposing syndrome. Last evaluated: 2026-01-13. Review status: criteria provided, single submitter. Criteria: Ambry Variant Classification Scheme 2023. Collection method: clinical testing. Allele origin: germline.
Comment: The c.5924_5934del11 variant, located in coding exon 43 of the POLE gene, results from a deletion of 11 nucleotides at nucleotide positions 5924 to 5934, causing a translational frameshift with a predicted alternate stop codon (p.L1975*). This alteration is expected to result in loss of function by premature protein truncation or nonsense-mediated mRNA decay. Although biallelic loss of function of POLE has been associated with autosomal recessive POLE deficiency, haploinsufficiency of POLE has not been established as a mechanism of disease for POLE-related polymerase proofreading-associated polyposis (PPAP) and POLE-related CMMRD-like syndrome. Based on the supporting evidence, this variant is expected to be causative of POLE deficiency when present along with a second pathogenic variant on the other allele; however, its clinical significance for PPAP and POLE-related CMMRD-like syndrome is unclear.